The following is an entry in ClinVar:

NM_198578.4(LRRK2):c.1596G>T (p.Met532Ile)

Gene: LRRK2 (leucine rich repeat kinase 2; plus strand). Cytogenetic location: 12q12.
Variant type: single nucleotide variant.
Coding change: c.1596G>T on transcript NM_198578.4 (MANE Select); coding-DNA position 1596, G replaced by T.
Protein change: p.Met532Ile; replaces methionine 532 with isoleucine.
Molecular consequence: missense variant.
Genome position (GRCh38, 1-based): chr12:40,263,841, G>T. VCF-style: chr12-40263841-G-T. GRCh37 (hg19) VCF-style: chr12-40657643-G-T.
Other names: short protein forms M532I.
Identifiers: ClinVar variation 1776016 (VCV001776016.2), dbSNP rs774734369, ClinGen allele CA6513408.

ClinVar aggregate classification (germline): Uncertain significance (1 of 4 stars; one submission).

Conditions:
Inborn genetic diseases. Identifiers: MedGen C0950123, MeSH D030342.

Allele frequency attached by ClinVar (database versions not stated): gnomAD exomes below 0.00001; TOPMed below 0.00001; ExAC 0.00001.
gnomAD v4.1: 2 of 1,613,022 alleles (0.00012%); highest among the groups gnomAD compares: African/African-American, 0.0013%; no homozygotes.

Submission:

Ambry Genetics
Classification: Uncertain significance for Inborn genetic diseases. Last evaluated: 2021-12-05. Review status: criteria provided, single submitter. Criteria: Ambry Variant Classification Scheme 2023. Collection method: clinical testing. Allele origin: germline.
Comment: The p.M532I variant (also known as c.1596G>T), located in coding exon 14 of the LRRK2 gene, results from a G to T substitution at nucleotide position 1596. The methionine at codon 532 is replaced by isoleucine, an amino acid with highly similar properties. This amino acid position is conserved. In addition, this alteration is predicted to be tolerated by in silico analysis. Since supporting evidence is limited at this time, the clinical significance of this alteration remains unclear.